The following is an entry in ClinVar:

ClinVar aggregate classification (germline): Uncertain significance. Review status: criteria provided, multiple submitters, no conflicts (2 of 4 stars). 4 submissions from 4 submitters: Uncertain significance (3). 1 of the submissions does not count toward it. Last evaluated 2024-12-09.

Conditions:
Retinitis pigmentosa 25 (RP25). Identifiers: Orphanet 791, MedGen C1864446, MONDO:0011272, OMIM 602772.
Inborn genetic diseases. Identifiers: MedGen C0950123, MeSH D030342.

Allele frequency attached by ClinVar (database versions not stated): gnomAD 0.00004 and 0.00005; ExAC 0.00005; TOPMed 0.00005; gnomAD exomes 0.00007 and 0.00012; ESP Exome Variant Server 0.00022.
gnomAD v4.1: 177 of 1,551,220 alleles (0.011%); highest among the groups gnomAD compares: Non-Finnish European, 0.015%; no homozygotes.

Submissions (4):

Labcorp Genetics (formerly Invitae), Labcorp
Classification: Uncertain significance. Last evaluated: 2024-12-09. Review status: criteria provided, single submitter. Criteria: Invitae Variant Classification Sherloc (09022015). Collection method: clinical testing. Allele origin: germline.
Comment: This sequence change replaces alanine, which is neutral and non-polar, with valine, which is neutral and non-polar, at codon 2729 of the EYS protein (p.Ala2729Val). This variant is present in population databases (rs377362833, gnomAD 0.02%). This variant has not been reported in the literature in individuals affected with EYS-related conditions. ClinVar contains an entry for this variant (Variation ID: 1054839). Invitae Evidence Modeling of protein sequence and biophysical properties (such as structural, functional, and spatial information, amino acid conservation, physicochemical variation, residue mobility, and thermodynamic stability) has been performed for this missense variant. However, the output from this modeling did not meet the statistical confidence thresholds required to predict the impact of this variant on EYS protein function. In summary, the available evidence is currently insufficient to determine the role of this variant in disease. Therefore, it has been classified as a Variant of Uncertain Significance.

Ambry Genetics
Classification: Uncertain significance for Inborn genetic diseases. Last evaluated: 2024-11-25. Review status: criteria provided, single submitter. Criteria: Ambry Variant Classification Scheme 2023. Collection method: clinical testing. Allele origin: germline.

Blueprint Genetics
Classification: Uncertain significance. Last evaluated: 2023-06-26. Review status: criteria provided, single submitter. Criteria: ACMG Guidelines, 2015. Collection method: clinical testing. Allele origin: germline.

Natera, Inc.
Classification: Uncertain significance for Retinitis pigmentosa type 25. Last evaluated: 2021-01-11. Review status: no assertion criteria provided. Collection method: clinical testing. Allele origin: germline. Not counted in ClinVar's aggregate classification.

NM_001142800.2(EYS):c.8186C>T (p.Ala2729Val)

Gene: EYS (EGF-like photoreceptor maintenance factor; minus strand). Cytogenetic location: 6q12.
Variant type: single nucleotide variant.
Coding change: c.8186C>T on transcript NM_001142800.2 (MANE Select); coding-DNA position 8186, C replaced by T.
Protein change: p.Ala2729Val; replaces alanine 2729 with valine.
Molecular consequence: missense variant.
Genome position (GRCh38, 1-based): chr6:63,726,566, G>A on the plus strand (C>T on the coding strand, the complement: EYS is on the minus strand). VCF-style: chr6-63726566-G-A. GRCh37 (hg19) VCF-style: chr6-64436459-G-A.
Other names: c.8186C>T (NM_001142800.1); c.8249C>T, p.Ala2750Val (NM_001292009.2); short protein forms A2729V, A2750V.
Identifiers: ClinVar variation 1054839 (VCV001054839.8), dbSNP rs377362833, ClinGen allele CA3876723.